The following is an entry in ClinVar:

NC_000023.11:g.(31875374_31929595)_(31968515_32216915)del

Gene: DMD (dystrophin; minus strand). Cytogenetic location: Xp21.1.
Variant type: Deletion.
Identifiers: ClinVar variation 981988 (VCV000981988.2).

ClinVar aggregate classification (germline): Pathogenic (1 of 4 stars; one submission).

Conditions:
Neuromuscular disease caused by qualitative or quantitative defects of dystrophin. Also called: Qualitative or quantitative defects of dystrophin. Identifiers: Orphanet 207085, MedGen C5679787, MONDO:0016147.

Submission:

Women's Health and Genetics/Laboratory Corporation of America, LabCorp
Classification: Pathogenic for Neuromuscular disease caused by qualitative or quantitative defects of dystrophin. Last evaluated: 2025-03-06. Review status: criteria provided, single submitter. Criteria: LabCorp Variant Classification Summary - May 2015. Collection method: clinical testing. Allele origin: germline.
Comment: Variant summary: The variant involves the deletion of exons 45-47 in the DMD gene. A presumed nomenclature of c.(6438+1_6439-1)_(6912+1_6913-1)del has been designated for the purposes of this classification. This Copy Number Variant (CNV) is predicted to result in an in-frame deletion within this gene. The variant was absent in 15986 control chromosomes (gnomAD Structure database v4). c.(6438+1_6439-1)_(6912+1_6913-1)del has been reported in the literature in multiple individuals affected with Dystrophinopathies (Beckers_2021). These data indicate that the variant is very likely to be associated with disease. To our knowledge, no experimental evidence demonstrating an impact on protein function has been reported. The following publication has been ascertained in the context of this evaluation (PMID: 33542429). ClinVar contains an entry for this variant (Variation ID: 11291). Based on the evidence outlined above, the variant was classified as pathogenic.

Literature cited by the submitters: PubMed 33542429.